The following is an entry in ClinVar:

NM_000153.4(GALC):c.1102G>T (p.Gly368Ter)

Gene: GALC (galactosylceramidase; minus strand). Cytogenetic location: 14q31.3.
Variant type: single nucleotide variant.
Coding change: c.1102G>T on transcript NM_000153.4 (MANE Select); coding-DNA position 1102, G replaced by T.
Protein change: p.Gly368Ter; replaces glycine 368 with a stop codon.
Molecular consequence: nonsense. On other transcripts: non-coding transcript variant (1).
Genome position (GRCh38, 1-based): chr14:87,963,443, C>A on the plus strand (G>T on the coding strand, the complement: GALC is on the minus strand). VCF-style: chr14-87963443-C-A. GRCh37 (hg19) VCF-style: chr14-88429787-C-A.
Other names: c.1033G>T, p.Gly345Ter (NM_001201401.2); c.1024G>T, p.Gly342Ter (NM_001201402.2); c.934G>T, p.Gly312Ter (NM_001424071.1, NM_001424072.1, NM_001424073.1); c.754G>T, p.Gly252Ter (NM_001424074.1, NM_001424075.1); c.469G>T, p.Gly157Ter (NM_001424076.1, NM_001424077.1); short protein forms G312*, G157*, G252*, G368*, G342*, G345*.
Identifiers: ClinVar variation 2829439 (VCV002829439.3), dbSNP rs1410766358, ClinGen allele CA390747235.

ClinVar aggregate classification (germline): Pathogenic (1 of 4 stars; one submission).

Conditions:
Galactosylceramide beta-galactosidase deficiency. Also called: GALACTOCEREBROSIDASE DEFICIENCY; GALC DEFICIENCY; GLOBOID CELL LEUKOENCEPHALOPATHY; Leukodystrophy, Globoid Cell; Krabbe Disease. Identifiers: Orphanet 487, MedGen C0023521, MONDO:0009499, OMIM 245200.

Allele frequency attached by ClinVar (database versions not stated): gnomAD exomes below 0.00001.
gnomAD v4.1: 2 of 1,613,218 alleles (0.00012%); highest among the groups gnomAD compares: South Asian, 0.0022%; no homozygotes.

Submission:

Labcorp Genetics (formerly Invitae), Labcorp
Classification: Pathogenic for Galactosylceramide beta-galactosidase deficiency. Last evaluated: 2024-06-03. Review status: criteria provided, single submitter. Criteria: Invitae Variant Classification Sherloc (09022015). Collection method: clinical testing. Allele origin: germline.
Comment: This sequence change creates a premature translational stop signal (p.Gly368*) in the GALC gene. It is expected to result in an absent or disrupted protein product. Loss-of-function variants in GALC are known to be pathogenic (PMID: 7437911, 9272171, 16607461). The frequency data for this variant in the population databases is considered unreliable, as metrics indicate poor data quality at this position in the gnomAD database. This variant has not been reported in the literature in individuals affected with GALC-related conditions. For these reasons, this variant has been classified as Pathogenic.

Literature cited by the submitters: PubMed 7437911; PubMed 9272171; PubMed 16607461.